The following is an entry in ClinVar:

NM_006231.4(POLE):c.2759C>T (p.Thr920Ile)

Gene: POLE (DNA polymerase epsilon, catalytic subunit; minus strand). Cytogenetic location: 12q24.33.
Variant type: single nucleotide variant.
Coding change: c.2759C>T on transcript NM_006231.4 (MANE Select); coding-DNA position 2759, C replaced by T.
Protein change: p.Thr920Ile; replaces threonine 920 with isoleucine.
Molecular consequence: missense variant.
Genome position (GRCh38, 1-based): chr12:132,661,632, G>A on the plus strand (C>T on the coding strand, the complement: POLE is on the minus strand). VCF-style: chr12-132661632-G-A. GRCh37 (hg19) VCF-style: chr12-133238218-G-A.
Other names: short protein forms T920I.
Identifiers: ClinVar variation 945954 (VCV000945954.12), dbSNP rs899872545, ClinGen allele CA387393895.

ClinVar aggregate classification (germline): Uncertain significance. Review status: criteria provided, multiple submitters, no conflicts (2 of 4 stars). 3 submissions from 3 submitters: Uncertain significance (3). Last evaluated 2024-02-17.

Conditions:
Hereditary cancer-predisposing syndrome. Also called: Neoplastic Syndromes, Hereditary; Hereditary Cancer Syndrome; Tumor predisposition; Hereditary neoplastic syndrome. Identifiers: Orphanet 140162, MedGen C0027672, MeSH D009386, MONDO:0015356.

Submissions (3):

Labcorp Genetics (formerly Invitae), Labcorp
Classification: Uncertain significance. Last evaluated: 2024-02-17. Review status: criteria provided, single submitter. Criteria: Invitae Variant Classification Sherloc (09022015). Collection method: clinical testing. Allele origin: germline.
Comment: This sequence change replaces threonine, which is neutral and polar, with isoleucine, which is neutral and non-polar, at codon 920 of the POLE protein (p.Thr920Ile). This variant is not present in population databases (gnomAD no frequency). This variant has not been reported in the literature in individuals affected with POLE-related conditions. ClinVar contains an entry for this variant (Variation ID: 945954). Advanced modeling of protein sequence and biophysical properties (such as structural, functional, and spatial information, amino acid conservation, physicochemical variation, residue mobility, and thermodynamic stability) performed at Invitae indicates that this missense variant is not expected to disrupt POLE protein function with a negative predictive value of 80%. In summary, the available evidence is currently insufficient to determine the role of this variant in disease. Therefore, it has been classified as a Variant of Uncertain Significance.

Ambry Genetics
Classification: Uncertain significance for Hereditary cancer-predisposing syndrome. Last evaluated: 2023-10-05. Review status: criteria provided, single submitter. Criteria: Ambry Variant Classification Scheme 2023. Collection method: clinical testing. Allele origin: germline.
Comment: The p.T920I variant (also known as c.2759C>T), located in coding exon 24 of the POLE gene, results from a C to T substitution at nucleotide position 2759. The threonine at codon 920 is replaced by isoleucine, an amino acid with similar properties. This amino acid position is conserved. In addition, this alteration is predicted to be tolerated by in silico analysis. Since supporting evidence is limited at this time, the clinical significance of this alteration remains unclear.

GeneDx
Classification: Uncertain significance. Last evaluated: 2019-10-15. Review status: criteria provided, single submitter. Criteria: GeneDx Variant Classification Process June 2021. Collection method: clinical testing. Allele origin: germline. Affected: yes.
Comment: Not observed in large population cohorts (Lek 2016); In silico analysis, which includes protein predictors and evolutionary conservation, supports that this variant does not alter protein structure/function; Has not been previously published as pathogenic or benign to our knowledge